The following is an entry in ClinVar:

ClinVar aggregate classification (germline): Conflicting classifications of pathogenicity. Review status: criteria provided, conflicting classifications (1 of 4 stars). 5 submissions from 5 submitters: Uncertain significance (1); Benign (1); Likely benign (3). Last evaluated 2026-01-04.

Conditions:
Cardiovascular phenotype. Identifiers: MedGen CN230736.
Emery-Dreifuss muscular dystrophy 7, autosomal dominant (EDMD7). Also called: Emery-Dreifuss muscular dystrophy 7, AD. Identifiers: Orphanet 261, MedGen C3553060, MONDO:0013677, OMIM 614302.
Cardiomyopathy (CMYO). Also called: Cardiomyopathies. Identifiers: Orphanet 167848, MedGen C0878544, MONDO:0004994, HP:0001638. Inheritance: Various modes of inheritance.
Arrhythmogenic right ventricular dysplasia 5. Also called: Arrhythmogenic Right Ventricular Dysplasia/Cardiomyopathy 5; ARRHYTHMOGENIC RIGHT VENTRICULAR DYSPLASIA, FAMILIAL, 5. Identifiers: MedGen C1858379, MONDO:0011459, OMIM 604400.

Allele frequency attached by ClinVar (database versions not stated): gnomAD 0.00002 and 0.00007; TOPMed 0.00005; gnomAD exomes 0.00008 and 0.00009; ExAC 0.00012; 1000 Genomes Project 30x 0.00047; 1000 Genomes Project 0.00060.
gnomAD v4.1: 138 of 1,614,122 alleles (0.0085%); highest among the groups gnomAD compares: East Asian, 0.29%; no homozygotes.

Submissions (5):

Labcorp Genetics (formerly Invitae), Labcorp
Classification: Likely benign for Arrhythmogenic right ventricular dysplasia 5. Last evaluated: 2026-01-04. Review status: criteria provided, single submitter. Criteria: Invitae Variant Classification Sherloc (09022015). Collection method: clinical testing. Allele origin: germline.

CeGaT Center for Human Genetics Tuebingen
Classification: Likely benign. Last evaluated: 2025-02-01. Review status: criteria provided, single submitter. Criteria: CeGaT Center For Human Genetics Tuebingen Variant Classification Criteria Version 2. Collection method: clinical testing. Allele origin: germline. Affected: yes. Observed: 1 variant allele.
Comment: TMEM43: BP4

Ambry Genetics
Classification: Benign for Cardiovascular phenotype. Last evaluated: 2021-10-12. Review status: criteria provided, single submitter. Criteria: Ambry Variant Classification Scheme 2023. Collection method: clinical testing. Allele origin: germline.

Color Diagnostics, LLC DBA Color Health
Classification: Likely benign for Cardiomyopathy. Last evaluated: 2020-04-29. Review status: criteria provided, single submitter. Criteria: ACMG Guidelines, 2015. Collection method: clinical testing. Allele origin: germline.

Dr. Orhan Ocalgiray Molecular Biology-Biotechnology and Genetics Research Centre (MOBGAM), Istanbul Technical University
Classification: Uncertain significance for Emery-Dreifuss muscular dystrophy 7, autosomal dominant. Review status: criteria provided, single submitter. Criteria: ACMG Guidelines, 2015. Collection method: research. Allele origin: germline. Inheritance: Autosomal recessive inheritance. Affected: yes. Observed: 1 variant allele, 1 homozygote.
Comment: TMEM43 c.601G>A (p.Asp201Asn) variant is found in sibs born to consanguineous Pakistani parents. Although TMEM43-associated EDMD7 (MIM 614302) is known to follow AD inheritance, our findings suggest a recessive effect of this variant in the described family, representing the first reported case of recessively inherited EDMD7 (Önel et al, 2026, doi: 10.59249/CYLA3227).

NM_024334.3(TMEM43):c.601G>A (p.Asp201Asn)

Gene: TMEM43 (transmembrane protein 43; plus strand). Cytogenetic location: 3p25.1.
Variant type: single nucleotide variant.
Coding change: c.601G>A on transcript NM_024334.3 (MANE Select); coding-DNA position 601, G replaced by A.
Protein change: p.Asp201Asn; replaces aspartic acid 201 with asparagine.
Molecular consequence: missense variant.
Genome position (GRCh38, 1-based): chr3:14,134,787, G>A. VCF-style: chr3-14134787-G-A. GRCh37 (hg19) VCF-style: chr3-14176287-G-A.
Other names: short protein forms D201N.
Identifiers: ClinVar variation 202116 (VCV000202116.31), dbSNP rs138182276, ClinGen allele CA024719.
Genomic context (GRCh38, chr3:14,134,787, plus strand): 5'-TTCACCTGGTCCCCTGGGTTTCTAACCACTCTGGTCCCCTCAGGCCTCATCGACAAAGTC[G>A]ACAACTTCAAGTCCCTGAGCCTATCCAAGCTGGAGGACCCTCATGTGGACATCATTCGCC-3'
Protein context (NP_077310.1, residues 191-211): FLSSGLIDKV[Asp201Asn]NFKSLSLSKL